The following is an entry in ClinVar:

ClinVar aggregate classification (germline): Likely benign (0 of 4 stars; one submission).

Conditions:
PLXNA2-related disorder. Also called: PLXNA2-related condition.

gnomAD v4.1: 11 of 1,613,326 alleles (0.00068%); highest among the groups gnomAD compares: East Asian, 0.016%; no homozygotes.

Submission:

PreventionGenetics, part of Exact Sciences
Classification: Likely benign for PLXNA2-related condition. Last evaluated: 2023-10-31. Review status: no assertion criteria provided. Collection method: clinical testing. Allele origin: germline.
Comment: This variant is classified as likely benign based on ACMG/AMP sequence variant interpretation guidelines (Richards et al. 2015 PMID: 25741868, with internal and published modifications).

NM_025179.4(PLXNA2):c.5472C>T (p.Ile1824=)

Gene: PLXNA2 (plexin A2; minus strand). Cytogenetic location: 1q32.2.
Variant type: single nucleotide variant.
Coding change: c.5472C>T on transcript NM_025179.4 (MANE Select); coding-DNA position 5472, C replaced by T.
Protein change: p.Ile1824=; no amino-acid change (isoleucine 1824 retained).
Molecular consequence: synonymous variant.
Genome position (GRCh38, 1-based): chr1:208,028,126, G>A on the plus strand (C>T on the coding strand, the complement: PLXNA2 is on the minus strand). VCF-style: chr1-208028126-G-A. GRCh37 (hg19) VCF-style: chr1-208201471-G-A.
Identifiers: ClinVar variation 3357295 (VCV003357295.1).